The following is an entry in ClinVar:

ClinVar aggregate classification (germline): Pathogenic. Review status: criteria provided, multiple submitters, no conflicts (2 of 4 stars). 2 submissions from 2 submitters: Pathogenic (2). Last evaluated 2023-12-03.

Conditions:
Actin accumulation myopathy (CMYO2A). Also called: CONGENITAL MYOPATHY 2A, TYPICAL, AUTOSOMAL DOMINANT; Myopathy, actin, congenital, with cores; Nemaline myopathy 3, with intranuclear rods; Nemaline myopathy type 3; Myopathy, actin, congenital, with excess of thin myofilaments. Identifiers: Orphanet 98904, MedGen C3711389, MONDO:0008070, OMIM 161800.

Submissions (2):

Labcorp Genetics (formerly Invitae), Labcorp
Classification: Pathogenic for Actin accumulation myopathy. Last evaluated: 2023-12-03. Review status: criteria provided, single submitter. Criteria: Invitae Variant Classification Sherloc (09022015). Collection method: clinical testing. Allele origin: germline.
Comment: This sequence change replaces methionine, which is neutral and non-polar, with valine, which is neutral and non-polar, at codon 49 of the ACTA1 protein (p.Met49Val). This variant is not present in population databases (gnomAD no frequency). This missense change has been observed in individual(s) with autosomal dominant myopathy (PMID: 19562689, 33726816). In at least one individual the variant was observed to be de novo. This variant is also known as p.Met47Val. ClinVar contains an entry for this variant (Variation ID: 2434933). Advanced modeling of protein sequence and biophysical properties (such as structural, functional, and spatial information, amino acid conservation, physicochemical variation, residue mobility, and thermodynamic stability) performed at Invitae indicates that this missense variant is not expected to disrupt ACTA1 protein function with a negative predictive value of 80%. This variant disrupts the p.Met49 amino acid residue in ACTA1. Other variant(s) that disrupt this residue have been determined to be pathogenic (Invitae). This suggests that this residue is clinically significant, and that variants that disrupt this residue are likely to be disease-causing. For these reasons, this variant has been classified as Pathogenic.

Revvity Omics, Revvity
Classification: Pathogenic. Last evaluated: 2022-12-20. Review status: criteria provided, single submitter. Criteria: ACMG Guidelines, 2015. Collection method: clinical testing. Allele origin: germline.

Literature cited by the submitters: PubMed 19562689 (cited by Labcorp Genetics (formerly Invitae), Labcorp); PubMed 33726816 (cited by Labcorp Genetics (formerly Invitae), Labcorp).

NM_001100.4(ACTA1):c.145A>G (p.Met49Val)

Gene: ACTA1 (actin alpha 1, skeletal muscle; minus strand). Cytogenetic location: 1q42.13.
Variant type: single nucleotide variant.
Coding change: c.145A>G on transcript NM_001100.4 (MANE Select); coding-DNA position 145, A replaced by G.
Protein change: p.Met49Val; replaces methionine 49 with valine.
Molecular consequence: missense variant.
Genome position (GRCh38, 1-based): chr1:229,432,865, T>C on the plus strand (A>G on the coding strand, the complement: ACTA1 is on the minus strand). VCF-style: chr1-229432865-T-C. GRCh37 (hg19) VCF-style: chr1-229568612-T-C.
Other names: short protein forms M49V.
Identifiers: ClinVar variation 2434933 (VCV002434933.6), dbSNP rs2527439378, ClinGen allele CA345151020.